The following is an entry in ClinVar:

NM_001972.4(ELANE):c.524C>T (p.Thr175Met)

Gene: ELANE (elastase, neutrophil expressed; plus strand). Cytogenetic location: 19p13.3.
Variant type: single nucleotide variant.
Coding change: c.524C>T on transcript NM_001972.4 (MANE Select); coding-DNA position 524, C replaced by T.
Protein change: p.Thr175Met; replaces threonine 175 with methionine.
Molecular consequence: missense variant.
Genome position (GRCh38, 1-based): chr19:855,721, C>T. VCF-style: chr19-855721-C-T. GRCh37 (hg19) VCF-style: chr19-855721-C-T.
Other names: short protein forms T175M.
Identifiers: ClinVar variation 696438 (VCV000696438.32), dbSNP rs193141883, ClinGen allele CA9026084.

ClinVar aggregate classification (germline): Conflicting classifications of pathogenicity. Review status: criteria provided, conflicting classifications (1 of 4 stars). 7 submissions from 7 submitters: Uncertain significance (3); Likely benign (4). Last evaluated 2026-01-21.

Conditions:
Autoinflammatory syndrome. Identifiers: Orphanet 93665, MedGen C3890737, MONDO:0019751.
Neutropenia, severe congenital, 1, autosomal dominant. Identifiers: MedGen C1859966, MONDO:0042490, OMIM 202700.
Cyclical neutropenia. Also called: Cyclic Neutropenia; Cyclic hematopoiesis. Identifiers: Orphanet 2686, MedGen C0221023, MONDO:0008090, OMIM 162800, HP:0040289. Disease mechanism: loss of function.

Allele frequency attached by ClinVar (database versions not stated): gnomAD 0.00007 and 0.00013; gnomAD exomes 0.00013 and 0.00047; 1000 Genomes Project 0.00020; TOPMed 0.00020; 1000 Genomes Project 30x 0.00031; ExAC 0.00050.
gnomAD v4.1: 205 of 1,609,926 alleles (0.013%); highest among the groups gnomAD compares: Admixed American, 0.15%; no homozygotes.

Submissions (7):

Labcorp Genetics (formerly Invitae), Labcorp
Classification: Likely benign for Neutropenia, severe congenital, 1, autosomal dominant; Cyclical neutropenia. Last evaluated: 2026-01-21. Review status: criteria provided, single submitter. Criteria: Invitae Variant Classification Sherloc (09022015). Collection method: clinical testing. Allele origin: germline.

ARUP Laboratories, Molecular Genetics and Genomics, ARUP Laboratories
Classification: Uncertain significance. Last evaluated: 2025-05-20. Review status: criteria provided, single submitter. Criteria: ARUP Molecular Germline Variant Investigation Process 2024. Collection method: clinical testing. Allele origin: germline.
Comment: The ELANE c.524C>T; p.Thr175Met variant (rs193141883), to our knowledge, is not reported in the medical literature in individuals with ELANE-related disorders but is reported in ClinVar (Variation ID: 696438). This variant is found in the Latino population with an allele frequency of 0.2% (82/35388 alleles) in the Genome Aggregation Database (v2.1.1). Computational analyses are uncertain whether this variant is neutral or deleterious (REVEL: 0.684). However, given the lack of clinical and functional data, the significance of the p.Thr175Met variant is uncertain at this time.

Women's Health and Genetics/Laboratory Corporation of America, LabCorp
Classification: Likely benign. Last evaluated: 2024-11-19. Review status: criteria provided, single submitter. Criteria: LabCorp Variant Classification Summary - May 2015. Collection method: clinical testing. Allele origin: germline.

Blueprint Genetics
Classification: Likely benign. Last evaluated: 2024-07-12. Review status: criteria provided, single submitter. Criteria: ACMG Guidelines, 2015. Collection method: clinical testing. Allele origin: germline.

Genome Diagnostics Laboratory, The Hospital for Sick Children
Classification: Likely benign for Autoinflammatory syndrome. Last evaluated: 2021-04-05. Review status: criteria provided, single submitter. Criteria: ACMG Guidelines, 2015. Collection method: clinical testing. Allele origin: germline. Affected: yes.

GeneDx
Classification: Uncertain significance. Last evaluated: 2019-06-04. Review status: criteria provided, single submitter. Criteria: GeneDx Variant Classification Process June 2021. Collection method: clinical testing. Allele origin: germline. Affected: yes.
Comment: In silico analysis, which includes protein predictors and evolutionary conservation, supports a deleterious effect; Has not been previously published as pathogenic or benign to our knowledge

Center for Genomics, Ann and Robert H. Lurie Children's Hospital of Chicago
Classification: Uncertain significance for Cyclical neutropenia; Neutropenia, severe congenital, 1, autosomal dominant. Review status: criteria provided, single submitter. Criteria: ACMG Guidelines, 2015. Collection method: clinical testing. Allele origin: germline.
Comment: ELANE NM_001972.3 exon 4 p.Thr175Met (c.524C>T): This variant has not been reported in the literature but is present in 0.2% (82/35388) of Latino alleles in the Genome Aggregation Database. Evolutionary conservation and computational predictive tools suggest that this variant may impact the protein. In summary, data on this variant is insufficient for disease classification. Therefore, the clinical significance of this variant is uncertain.